The following is an entry in ClinVar:

NM_000090.4(COL3A1):c.1178G>T (p.Gly393Val)

Gene: COL3A1 (collagen type III alpha 1 chain; plus strand). Cytogenetic location: 2q32.2.
Variant type: single nucleotide variant.
Coding change: c.1178G>T on transcript NM_000090.4 (MANE Select); coding-DNA position 1178, G replaced by T.
Protein change: p.Gly393Val; replaces glycine 393 with valine.
Molecular consequence: missense variant.
Genome position (GRCh38, 1-based): chr2:188,994,066, G>T. VCF-style: chr2-188994066-G-T. GRCh37 (hg19) VCF-style: chr2-189858792-G-T.
Other names: short protein forms G393V.
Identifiers: ClinVar variation 4800319 (VCV004800319.2).

ClinVar aggregate classification (germline): Pathogenic/Likely pathogenic. Review status: criteria provided, multiple submitters, no conflicts (2 of 4 stars). 2 submissions from 2 submitters: Pathogenic (1); Likely pathogenic (1). Last evaluated 2026-02-19.

Conditions:
Ehlers-Danlos syndrome, type 4 (EDSVASC). Also called: Ehlers-Danlos syndrome vascular type; Ehlers Danlos syndrome, ecchymotic type; Ehlers Danlos syndrome, arterial type; Ehlers Danlos syndrome, Sack-Barabas type; Ehlers-Danlos Syndrome Type IV. Identifiers: Orphanet 286, MedGen C0268338, MONDO:0017314, OMIM 130050.

Submissions (2):

GeneDx
Classification: Pathogenic. Last evaluated: 2026-02-19. Review status: criteria provided, single submitter. Criteria: GeneDx Variant Classification Process June 2021. Collection method: clinical testing. Allele origin: germline.
Comment: Has not been previously published as pathogenic or benign to our knowledge; Not observed at significant frequency in large population cohorts (gnomAD); In silico analysis supports that this missense variant has a deleterious effect on protein structure/function; Occurs in the triple helical domain and replaces the glycine in the canonical Gly-X-Y repeat; missense substitution of a canonical glycine residue is expected to disrupt normal protein folding and function, and this is an established mechanism of disease (HGMD); This variant is associated with the following publications: (PMID: 30919682)

Labcorp Genetics (formerly Invitae), Labcorp
Classification: Likely pathogenic for Ehlers-Danlos syndrome, type 4. Last evaluated: 2025-08-14. Review status: criteria provided, single submitter. Criteria: Invitae Variant Classification Sherloc (09022015). Collection method: clinical testing. Allele origin: germline.
Comment: This sequence change replaces glycine, which is neutral and non-polar, with valine, which is neutral and non-polar, at codon 393 of the COL3A1 protein (p.Gly393Val). This variant is not present in population databases (gnomAD no frequency). This variant has not been reported in the literature in individuals affected with COL3A1-related conditions. Invitae Evidence Modeling of protein sequence and biophysical properties (such as structural, functional, and spatial information, amino acid conservation, physicochemical variation, residue mobility, and thermodynamic stability) indicates that this missense variant is expected to disrupt COL3A1 protein function with a positive predictive value of 95%. This variant disrupts the triple helix domain of COL3A1. Glycine residues within the Gly-Xaa-Yaa repeats of the triple helix domain are required for the structure and stability of fibrillar collagens (PMID: 7695699, 8218237, 19344236). In COL3A1, variants that affect these glycine residues are significantly enriched in individuals with disease (PMID: 24922459, 25758994) compared to the general population (ExAC). In summary, the currently available evidence indicates that the variant is pathogenic, but additional data are needed to prove that conclusively. Therefore, this variant has been classified as Likely Pathogenic.

Literature cited by the submitters: PubMed 7695699 (cited by Labcorp Genetics (formerly Invitae), Labcorp); PubMed 8218237 (cited by Labcorp Genetics (formerly Invitae), Labcorp); PubMed 19344236 (cited by Labcorp Genetics (formerly Invitae), Labcorp); PubMed 24922459 (cited by Labcorp Genetics (formerly Invitae), Labcorp); PubMed 25758994 (cited by Labcorp Genetics (formerly Invitae), Labcorp).